The following is an entry in ClinVar:

NM_000059.4(BRCA2):c.4893_4894del (p.Ser1632fs)

Gene: BRCA2 (BRCA2 DNA repair associated; plus strand). Cytogenetic location: 13q13.1.
Variant type: Deletion.
Coding change: c.4893_4894del on transcript NM_000059.4 (MANE Select); coding-DNA positions 4893 to 4894, 2 bases deleted (AA; older notation c.4893_4894delAA).
Protein change: p.Ser1632fs; shifts the reading frame from serine 1632.
Molecular consequence: frameshift variant.
Genome position (GRCh38, 1-based): chr13:32,339,248-32,339,249, AA deleted; deleting any 2 consecutive bases within chr13:32,339,245-32,339,249 gives the same sequence; the c. name uses the placement nearest the transcript's 3' end. VCF-style (leftmost placement, unchanged base first): chr13-32339244-CAA-C. GRCh37 (hg19) VCF-style: chr13-32913381-CAA-C.
Other names: short protein forms S1632fs.
Identifiers: ClinVar variation 1451504 (VCV001451504.7), dbSNP rs1555283980, ClinGen allele CA2573149291.
Genomic context (GRCh38, chr13:32,339,244, plus strand): 5'-TGGTGCCACCTAAGCTCTTAAGTGATAATTTATGTAGACAAACTGAAAATCTCAAAACAT[CAA>C]AAAGTATCTTTTTGAAAGTTAAAGTACATGAAAATGTAGAAAAAGAAACAGCAAAAAGTC-3'

ClinVar aggregate classification (germline): Pathogenic. Review status: criteria provided, multiple submitters, no conflicts (2 of 4 stars). 2 submissions from 2 submitters: Pathogenic (2). Last evaluated 2024-10-01.

Conditions:
Hereditary breast ovarian cancer syndrome. Also called: Hereditary breast and/or ovarian cancer syndrome; Hereditary breast and ovarian cancer syndrome (HBOC); Breast and ovarian cancer; BRCA1- and BRCA2-Associated Hereditary Breast and Ovarian Cancer; Hereditary breast and ovarian cancer syndrome; Hereditary breast and ovarian cancer. Identifiers: Orphanet 145, MedGen C0677776, MeSH D061325, MONDO:0003582. Disease mechanism: loss of function.
Breast-ovarian cancer, familial, susceptibility to, 2 (BROVCA2). Also called: BRCA2 Hereditary Breast and Ovarian Cancer. Identifiers: Orphanet 145, MedGen C2675520, MONDO:0012933, OMIM 612555. Disease mechanism: loss of function.

Submissions (2):

Myriad Genetics, Inc.
Classification: Pathogenic for Breast-ovarian cancer, familial, susceptibility to, 2. Last evaluated: 2024-10-01. Review status: criteria provided, single submitter. Criteria: Myriad Autosomal Dominant, Autosomal Recessive and X-Linked Classification Criteria (2023). Collection method: clinical testing. Allele origin: unknown.
Comment: This variant is considered pathogenic. This variant creates a frameshift predicted to result in premature protein truncation.

Labcorp Genetics (formerly Invitae), Labcorp
Classification: Pathogenic for Hereditary breast ovarian cancer syndrome. Last evaluated: 2021-07-10. Review status: criteria provided, single submitter. Criteria: Invitae Variant Classification Sherloc (09022015). Collection method: clinical testing. Allele origin: germline.
Comment: Algorithms developed to predict the effect of sequence changes on RNA splicing suggest that this variant may create or strengthen a splice site. For these reasons, this variant has been classified as Pathogenic. This sequence change creates a premature translational stop signal (p.Ser1632Tyrfs*6) in the BRCA2 gene. It is expected to result in an absent or disrupted protein product. Loss-of-function variants in BRCA2 are known to be pathogenic (PMID: 20104584). This variant is not present in population databases (ExAC no frequency). This variant has not been reported in the literature in individuals affected with BRCA2-related conditions.

Literature cited by the submitters: PubMed 20104584 (cited by Labcorp Genetics (formerly Invitae), Labcorp).